The following is an entry in ClinVar:

NM_144973.4(DENND5B):c.1793T>C (p.Leu598Pro)

Gene: DENND5B (DENN domain containing 5B; minus strand). Cytogenetic location: 12p11.21.
Variant type: single nucleotide variant.
Coding change: c.1793T>C on transcript NM_144973.4 (MANE Select); coding-DNA position 1793, T replaced by C.
Protein change: p.Leu598Pro; replaces leucine 598 with proline.
Molecular consequence: missense variant.
Genome position (GRCh38, 1-based): chr12:31,447,606, A>G on the plus strand (T>C on the coding strand, the complement: DENND5B is on the minus strand). VCF-style: chr12-31447606-A-G. GRCh37 (hg19) VCF-style: chr12-31600540-A-G.
Other names: c.1898T>C, p.Leu633Pro (NM_001308339.2); c.1859T>C, p.Leu620Pro (NM_001366890.1); short protein forms L620P, L598P, L633P.
Identifiers: ClinVar variation 5009795 (VCV005009795.1).

ClinVar aggregate classification (germline): Uncertain significance (1 of 4 stars; one submission).

Submission:

GeneDx
Classification: Uncertain significance. Last evaluated: 2026-02-19. Review status: criteria provided, single submitter. Criteria: GeneDx Variant Classification Process June 2021. Collection method: clinical testing. Allele origin: germline.
Comment: Not observed at significant frequency in large population cohorts (gnomAD); In silico analysis suggests that this missense variant does not alter protein structure/function; Has not been previously published as pathogenic or benign to our knowledge